The following is an entry in ClinVar:

NM_021942.6(TRAPPC11):c.503C>T (p.Ser168Leu)

Gene: TRAPPC11 (trafficking protein particle complex subunit 11; plus strand). Cytogenetic location: 4q35.1.
Variant type: single nucleotide variant.
Coding change: c.503C>T on transcript NM_021942.6 (MANE Select); coding-DNA position 503, C replaced by T.
Protein change: p.Ser168Leu; replaces serine 168 with leucine.
Molecular consequence: missense variant.
Genome position (GRCh38, 1-based): chr4:183,668,060, C>T. VCF-style: chr4-183668060-C-T. GRCh37 (hg19) VCF-style: chr4-184589213-C-T.
Other names: c.503C>T, p.Ser168Leu (NM_199053.3); short protein forms S168L.
Identifiers: ClinVar variation 1519557 (VCV001519557.6), dbSNP rs2111307561, ClinGen allele CA358859594.
Genomic context (GRCh38, chr4:183,668,060, plus strand): 5'-CAGGAGAAGATGTCATTGCTTCAGAAAGGGCTGCAGCTTTATGCAATGCATGTGAACTCT[C>T]AGGAAAGTCTTTGTTTGTACTGCCGCACACTGACCACCTTGTGGGTTATATTATAAGGTA-3'
Protein context (NP_068761.4, residues 158-178): AAALCNACEL[Ser168Leu]GKSLFVLPHT

ClinVar aggregate classification (germline): Uncertain significance (1 of 4 stars; one submission).

Conditions:
Autosomal recessive limb-girdle muscular dystrophy type R18 (LGMDR18). Also called: Limb-girdle muscular dystrophy, type 2S; Autosomal recessive limb-girdle muscular dystrophy type 2S; MUSCULAR DYSTROPHY, LIMB-GIRDLE, AUTOSOMAL RECESSIVE 18. Identifiers: Orphanet 369840, MedGen C4517996, MONDO:0014144, OMIM 615356.

Submission:

Labcorp Genetics (formerly Invitae), Labcorp
Classification: Uncertain significance for Autosomal recessive limb-girdle muscular dystrophy type R18. Last evaluated: 2021-09-26. Review status: criteria provided, single submitter. Criteria: Invitae Variant Classification Sherloc (09022015). Collection method: clinical testing. Allele origin: germline.
Comment: This variant has not been reported in the literature in individuals affected with TRAPPC11-related conditions. This variant is not present in population databases (ExAC no frequency). This sequence change replaces serine with leucine at codon 168 of the TRAPPC11 protein (p.Ser168Leu). The serine residue is highly conserved and there is a large physicochemical difference between serine and leucine. In summary, the available evidence is currently insufficient to determine the role of this variant in disease. Therefore, it has been classified as a Variant of Uncertain Significance. Algorithms developed to predict the effect of missense changes on protein structure and function are either unavailable or do not agree on the potential impact of this missense change (SIFT: "Deleterious"; PolyPhen-2: "Benign"; Align-GVGD: "Class C25").